The following is an entry in ClinVar:

NM_000090.4(COL3A1):c.2608-17A>G

Gene: COL3A1 (collagen type III alpha 1 chain; plus strand). Cytogenetic location: 2q32.2.
Variant type: single nucleotide variant.
Coding change: c.2608-17A>G on transcript NM_000090.4 (MANE Select); 17 bases into the intron before coding-DNA position 2608, A replaced by G.
Molecular consequence: intron variant.
Genome position (GRCh38, 1-based): chr2:189,003,717, A>G. VCF-style: chr2-189003717-A-G. GRCh37 (hg19) VCF-style: chr2-189868443-A-G.
Identifiers: ClinVar variation 2682333 (VCV002682333.1), dbSNP rs1273998782, ClinGen allele CA762203834.

ClinVar aggregate classification (germline): Likely benign (1 of 4 stars; one submission).

Allele frequency attached by ClinVar (database versions not stated): gnomAD exomes below 0.00001; TOPMed below 0.00001.
gnomAD v4.1: 2 of 1,613,866 alleles (0.00012%); highest among the groups gnomAD compares: East Asian, 0.0022%; no homozygotes.

Submission:

Women's Health and Genetics/Laboratory Corporation of America, LabCorp
Classification: Likely benign. Last evaluated: 2023-11-06. Review status: criteria provided, single submitter. Criteria: LabCorp Variant Classification Summary - May 2015. Collection method: clinical testing. Allele origin: germline.
Comment: Variant summary: COL3A1 c.2608-17A>G alters a non-conserved nucleotide located at a position not widely known to affect splicing. Consensus agreement among computation tools predict no significant impact on normal splicing. However, these predictions have yet to be confirmed by functional studies. The variant was absent in 251394 control chromosomes. The available data on variant occurrences in the general population are insufficient to allow any conclusion about variant significance. To our knowledge, no occurrence of c.2608-17A>G in individuals affected with Aortopathy and no experimental evidence demonstrating its impact on protein function have been reported. No submitters have cited clinical-significance assessments for this variant to ClinVar after 2014. Based on the evidence outlined above, the variant was classified as likely benign.